The following is an entry in ClinVar:

ClinVar aggregate classification (germline): Uncertain significance. Review status: criteria provided, multiple submitters, no conflicts (2 of 4 stars). 5 submissions from 5 submitters: Uncertain significance (4). 1 of the submissions does not count toward it. Last evaluated 2025-01-19.

Conditions:
Joubert syndrome. Also called: JOUBERT-BOLTSHAUSER SYNDROME; Familial aplasia of the vermis. Identifiers: Orphanet 475, MedGen C5979921, MONDO:0018772.
Inborn genetic diseases. Identifiers: MedGen C0950123, MeSH D030342.
Joubert syndrome 2 (JBTS2). Also called: CEREBELLOOCULORENAL SYNDROME 2. Identifiers: Orphanet 2318, MedGen C1842577, MONDO:0011963, OMIM 608091.

Allele frequency attached by ClinVar (database versions not stated): gnomAD 0.00001; TOPMed 0.00001; gnomAD exomes 0.00003 and 0.00004; ExAC 0.00006; ESP Exome Variant Server 0.00008.

Submissions (5):

Ambry Genetics
Classification: Uncertain significance for Inborn genetic diseases. Last evaluated: 2025-01-19. Review status: criteria provided, single submitter. Criteria: Ambry Variant Classification Scheme 2023. Collection method: clinical testing. Allele origin: germline.

Blueprint Genetics
Classification: Uncertain significance. Last evaluated: 2024-10-28. Review status: criteria provided, single submitter. Criteria: ACMG Guidelines, 2015. Collection method: clinical testing. Allele origin: germline.

Labcorp Genetics (formerly Invitae), Labcorp
Classification: Uncertain significance for Joubert syndrome. Last evaluated: 2024-07-02. Review status: criteria provided, single submitter. Criteria: Invitae Variant Classification Sherloc (09022015). Collection method: clinical testing. Allele origin: germline.
Comment: This sequence change replaces methionine, which is neutral and non-polar, with threonine, which is neutral and polar, at codon 120 of the TMEM216 protein (p.Met120Thr). This variant is present in population databases (rs367737418, gnomAD 0.01%). This variant has not been reported in the literature in individuals affected with TMEM216-related conditions. ClinVar contains an entry for this variant (Variation ID: 970367). An algorithm developed to predict the effect of missense changes on protein structure and function (PolyPhen-2) suggests that this variant¬†is likely to be tolerated. In summary, the available evidence is currently insufficient to determine the role of this variant in disease. Therefore, it has been classified as a Variant of Uncertain Significance.

GeneDx
Classification: Uncertain significance. Last evaluated: 2022-08-29. Review status: criteria provided, single submitter. Criteria: GeneDx Variant Classification Process June 2021. Collection method: clinical testing. Allele origin: germline. Affected: yes.
Comment: Not observed at significant frequency in large population cohorts (gnomAD); In silico analysis supports that this missense variant has a deleterious effect on protein structure/function; Has not been previously published as pathogenic or benign to our knowledge

Natera, Inc.
Classification: Uncertain significance for Joubert syndrome type 2. Last evaluated: 2020-02-03. Review status: no assertion criteria provided. Collection method: clinical testing. Allele origin: germline. Not counted in ClinVar's aggregate classification.

NM_001173990.3(TMEM216):c.359T>C (p.Met120Thr)

Gene: TMEM216 (transmembrane protein 216; plus strand). Cytogenetic location: 11q12.2.
Variant type: single nucleotide variant.
Coding change: c.359T>C on transcript NM_001173990.3 (MANE Select); coding-DNA position 359, T replaced by C.
Protein change: p.Met120Thr; replaces methionine 120 with threonine.
Molecular consequence: missense variant.
Genome position (GRCh38, 1-based): chr11:61,397,903, T>C. VCF-style: chr11-61397903-T-C. GRCh37 (hg19) VCF-style: chr11-61165375-T-C.
Other names: c.359T>C, p.Met120Thr (NM_001173991.3); c.176T>C, p.Met59Thr (NM_001330285.2, NM_016499.6); short protein forms M120T, M59T.
Identifiers: ClinVar variation 970367 (VCV000970367.9), dbSNP rs367737418, ClinGen allele CA6034754.